The following is an entry in ClinVar:

ClinVar aggregate classification (germline): Benign/Likely benign. Review status: criteria provided, multiple submitters, no conflicts (2 of 4 stars). 4 submissions from 4 submitters: Benign (3); Likely benign (1). Last evaluated 2026-01-25.

Conditions:
Combined immunodeficiency due to CTPS1 deficiency. Also called: Severe combined immunodeficiency due to CTPS1 deficiency; Immunodeficiency 24. Identifiers: Orphanet 420573, MedGen C4014617, MONDO:0014391, OMIM 615897.

Allele frequency attached by ClinVar (database versions not stated): gnomAD exomes 0.00094; ExAC 0.00122; 1000 Genomes Project 0.00359; 1000 Genomes Project 30x 0.00359; gnomAD 0.00374 and 0.00400; TOPMed 0.00430; ESP Exome Variant Server 0.00492.
gnomAD v4.1: 1,001 of 1,613,948 alleles (0.062%); highest among the groups gnomAD compares: African/African-American, 1.2%; 7 homozygotes.

Submissions (4):

Labcorp Genetics (formerly Invitae), Labcorp
Classification: Benign for Combined immunodeficiency due to CTPS1 deficiency. Last evaluated: 2026-01-25. Review status: criteria provided, single submitter. Criteria: Invitae Variant Classification Sherloc (09022015). Collection method: clinical testing. Allele origin: germline.

Mayo Clinic Laboratories, Mayo Clinic
Classification: Benign. Last evaluated: 2025-10-22. Review status: criteria provided, single submitter. Criteria: ACMG Guidelines, 2015. Collection method: clinical testing. Allele origin: germline. Observed: 2 variant alleles.
Comment: BS1, BS2, BP4, BP7

Blueprint Genetics
Classification: Likely benign. Last evaluated: 2024-10-24. Review status: criteria provided, single submitter. Criteria: ACMG Guidelines, 2015. Collection method: clinical testing. Allele origin: germline.

Breakthrough Genomics
Classification: Benign. Review status: criteria provided, single submitter. Criteria: ACMG Guidelines, 2015. Collection method: not provided. Allele origin: germline. Inheritance: Autosomal recessive inheritance. Affected: yes.

NM_001905.4(CTPS1):c.1617A>G (p.Pro539=)

Gene: CTPS1 (CTP synthase 1; plus strand). Cytogenetic location: 1p34.2.
Variant type: single nucleotide variant.
Coding change: c.1617A>G on transcript NM_001905.4 (MANE Select); coding-DNA position 1617, A replaced by G.
Protein change: p.Pro539=; no amino-acid change (proline 539 retained).
Molecular consequence: synonymous variant. On other transcripts: non-coding transcript variant (1).
Genome position (GRCh38, 1-based): chr1:41,009,515, A>G. VCF-style: chr1-41009515-A-G. GRCh37 (hg19) VCF-style: chr1-41475187-A-G.
Other names: p.Pro539=; c.1149A>G, p.Pro383= (NM_001301237.2).
Identifiers: ClinVar variation 541956 (VCV000541956.15), dbSNP rs138555227, ClinGen allele CA795578.